The following is an entry in ClinVar:

NM_007294.4(BRCA1):c.2210del (p.Thr737fs)

Gene: BRCA1 (BRCA1 DNA repair associated; minus strand). Cytogenetic location: 17q21.31.
Variant type: Deletion.
Coding change: c.2210del on transcript NM_007294.4 (MANE Select); coding-DNA position 2210, one base deleted (C; older notation c.2210delC).
Protein change: p.Thr737fs; shifts the reading frame from threonine 737.
Molecular consequence: frameshift variant. On other transcripts: intron variant (137).
Genome position (GRCh38, 1-based): chr17:43,093,321, G deleted on the plus strand (C on the coding strand, the reverse complement: BRCA1 is on the minus strand). VCF-style (leftmost placement, unchanged base first): chr17-43093320-TG-T. GRCh37 (hg19) VCF-style: chr17-41245337-TG-T.
Other names: 2329delC; c.1997del, p.Thr666fs (NM_001407571.1, NM_001407853.1, NM_001407894.1 and 9 more transcripts); c.2210del, p.Thr737fs (NM_001407581.1, NM_001407582.1, NM_001407583.1 and 30 more transcripts); c.2207del, p.Thr736fs (NM_001407587.1, NM_001407590.1, NM_001407591.1 and 22 more transcripts); c.2201del, p.Thr734fs (NM_001407646.1, NM_001407647.1); c.2087del, p.Thr696fs (NM_001407648.1, NM_001407664.1, NM_001407665.1 and 19 more transcripts); c.2084del, p.Thr695fs (NM_001407649.1, NM_001407670.1, NM_001407671.1 and 11 more transcripts); c.2132del, p.Thr711fs (NM_001407653.1, NM_001407654.1, NM_001407655.1 and 4 more transcripts); and 42 more; short protein forms T690fs, T737fs, T649fs, T669fs, T670fs, T689fs, T696fs, T711fs.
Identifiers: ClinVar variation 54500 (VCV000054500.6), dbSNP rs80357793, ClinGen allele CA001478.

ClinVar aggregate classification (germline): Pathogenic. Review status: reviewed by expert panel (3 of 4 stars). 4 submissions from 4 submitters: Pathogenic (1). 3 of the submissions do not count toward it. Last evaluated 2016-09-08.

Conditions:
Hereditary cancer-predisposing syndrome. Also called: Tumor predisposition; Neoplastic Syndromes, Hereditary; Hereditary Cancer Syndrome; Hereditary neoplastic syndrome. Identifiers: Orphanet 140162, MedGen C0027672, MeSH D009386, MONDO:0015356.
Breast-ovarian cancer, familial, susceptibility to, 1 (BROVCA1). Also called: OVARIAN CANCER, SUSCEPTIBILITY TO; BRCA1 Hereditary Breast and Ovarian Cancer. Identifiers: Orphanet 145, MedGen C2676676, MONDO:0011450, OMIM 604370. Disease mechanism: loss of function.

Submissions (4):

Evidence-based Network for the Interpretation of Germline Mutant Alleles (ENIGMA)
Classification: Pathogenic for Breast-ovarian cancer, familial, susceptibility to, 1. Last evaluated: 2016-09-08. Review status: reviewed by expert panel. Criteria: ENIGMA BRCA1/2 Classification Criteria (2015). Collection method: curation. Allele origin: germline.
Comment: Variant allele predicted to encode a truncated non-functional protein.

Ambry Genetics
Classification: Pathogenic for Hereditary cancer-predisposing syndrome. Last evaluated: 2025-12-31. Review status: criteria provided, single submitter. Criteria: Ambry Variant Classification Scheme 2023. Collection method: clinical testing. Allele origin: germline. Not counted in ClinVar's aggregate classification.
Comment: The c.2210delC pathogenic mutation, located in coding exon 9 of the BRCA1 gene, results from a deletion of one nucleotide at nucleotide position 2210, causing a translational frameshift with a predicted alternate stop codon (p.T737Kfs*16). This variant is considered to be rare based on population cohorts in the Genome Aggregation Database (gnomAD). This alteration is expected to result in loss of function by premature protein truncation or nonsense-mediated mRNA decay. As such, this alteration is interpreted as a disease-causing mutation.

Consortium of Investigators of Modifiers of BRCA1/2 (CIMBA), c/o University of Cambridge
Classification: Pathogenic for Breast-ovarian cancer, familial, susceptibility to, 1. Last evaluated: 2015-10-02. Review status: criteria provided, single submitter. Criteria: CIMBA Mutation Classification guidelines May 2016. Collection method: clinical testing. Allele origin: germline. Not counted in ClinVar's aggregate classification.

Breast Cancer Information Core (BIC) (BRCA1)
Classification: Pathogenic for Breast-ovarian cancer, familial 1. Last evaluated: 1998-08-26. Review status: no assertion criteria provided. Collection method: clinical testing. Allele origin: germline. Affected: yes. Observed: 1 variant allele. Not counted in ClinVar's aggregate classification.